The following is an entry in ClinVar:

ClinVar aggregate classification (germline): Conflicting classifications of pathogenicity. Review status: criteria provided, conflicting classifications (1 of 4 stars). 3 submissions from 3 submitters: Likely pathogenic (1); Uncertain significance (2). Last evaluated 2024-04-16.

Conditions:
Rubinstein-Taybi syndrome due to EP300 haploinsufficiency. Also called: EP300-Related Rubinstein-Taybi Syndrome; RUBINSTEIN-TAYBI SYNDROME 2. Identifiers: Orphanet 353284, Orphanet 783, MedGen C3150941, MONDO:0013364, OMIM 613684.

gnomAD v4.1: 5 of 1,613,760 alleles (0.00031%); highest among the groups gnomAD compares: South Asian, 0.0022%; no homozygotes.

Submissions (3):

Labcorp Genetics (formerly Invitae), Labcorp
Classification: Uncertain significance for Rubinstein-Taybi syndrome due to EP300 haploinsufficiency. Last evaluated: 2024-04-16. Review status: criteria provided, single submitter. Criteria: Invitae Variant Classification Sherloc (09022015). Collection method: clinical testing. Allele origin: germline.
Comment: This sequence change replaces proline, which is neutral and non-polar, with serine, which is neutral and polar, at codon 2001 of the EP300 protein (p.Pro2001Ser). This variant is not present in population databases (gnomAD no frequency). This missense change has been observed in individual(s) with clinical features of EP300-related conditions (PMID: 29706646). ClinVar contains an entry for this variant (Variation ID: 438594). Advanced modeling of protein sequence and biophysical properties (such as structural, functional, and spatial information, amino acid conservation, physicochemical variation, residue mobility, and thermodynamic stability) performed at Invitae indicates that this missense variant is not expected to disrupt EP300 protein function with a negative predictive value of 80%. In summary, the available evidence is currently insufficient to determine the role of this variant in disease. Therefore, it has been classified as a Variant of Uncertain Significance.

Blueprint Genetics
Classification: Uncertain significance. Last evaluated: 2023-09-21. Review status: criteria provided, single submitter. Criteria: ACMG Guidelines, 2015. Collection method: clinical testing. Allele origin: germline.

Lupski Lab, Baylor-Hopkins CMG, Baylor College of Medicine
Classification: Likely pathogenic for Rubinstein-Taybi syndrome due to EP300 haploinsufficiency. Last evaluated: 2017-09-01. Review status: criteria provided, single submitter. Criteria: Wiszniewski et al. (Eur J Hum Genet. 2018). Collection method: research. Allele origin: de novo. Inheritance: Autosomal dominant inheritance. Affected: yes. Observed: 1 variant allele.

Literature cited by the submitters: PubMed 29706646 (cited by Labcorp Genetics (formerly Invitae), Labcorp).

NM_001429.4(EP300):c.6001C>T (p.Pro2001Ser)

Gene: EP300 (EP300 lysine acetyltransferase; plus strand). Cytogenetic location: 22q13.2.
Variant type: single nucleotide variant.
Coding change: c.6001C>T on transcript NM_001429.4 (MANE Select); coding-DNA position 6001, C replaced by T.
Protein change: p.Pro2001Ser; replaces proline 2001 with serine.
Molecular consequence: missense variant.
Genome position (GRCh38, 1-based): chr22:41,177,712, C>T. VCF-style: chr22-41177712-C-T. GRCh37 (hg19) VCF-style: chr22-41573716-C-T.
Other names: c.5923C>T, p.Pro1975Ser (NM_001362843.2); short protein forms P2001S, P1975S.
Identifiers: ClinVar variation 438594 (VCV000438594.5), dbSNP rs1210404526, ClinGen allele CA411679955.